The following is an entry in ClinVar:

ClinVar aggregate classification (germline): Conflicting classifications of pathogenicity. Review status: criteria provided, conflicting classifications (1 of 4 stars). 2 submissions from 2 submitters: Pathogenic (1); Uncertain significance (1). Last evaluated 2024-11-27.

Conditions:
Hereditary cancer-predisposing syndrome. Also called: Hereditary Cancer Syndrome; Neoplastic Syndromes, Hereditary; Tumor predisposition; Hereditary neoplastic syndrome. Identifiers: Orphanet 140162, MedGen C0027672, MeSH D009386, MONDO:0015356.

Submissions (2):

Ambry Genetics
Classification: Pathogenic for Hereditary cancer-predisposing syndrome. Last evaluated: 2024-11-27. Review status: criteria provided, single submitter. Criteria: Ambry Variant Classification Scheme 2023. Collection method: clinical testing. Allele origin: germline.
Comment: The c.1015_1024del10insT pathogenic mutation (also known as p.A339_I342delinsF), located in coding exon 7 of the FH gene, results from an in-frame deletion of GCAAATGATA and insertion of T at nucleotide positions 1015 to 1024. This results in the substitution of alanine and isoleucine residues for a phenylalanine residue at codon 339 to 342. This variant was reported in individual(s) with features consistent with hereditary leiomyomatosis and renal cell cancer (HLRCC) (Ambry internal data). This amino acid region is highly conserved in available vertebrate species and the impacted region is critical for protein function (Ambry internal data). In addition, this alteration is predicted to be deleterious by in silico analysis (Choi Y et al. PLoS ONE. 2012; 7(10):e46688). Based on the supporting evidence, this variant is interpreted as a disease-causing mutation.

Labcorp Genetics (formerly Invitae), Labcorp
Classification: Uncertain significance. Last evaluated: 2021-06-05. Review status: criteria provided, single submitter. Criteria: Invitae Variant Classification Sherloc (09022015). Collection method: clinical testing. Allele origin: germline.
Comment: In summary, the available evidence is currently insufficient to determine the role of this variant in disease. Therefore, it has been classified as a Variant of Uncertain Significance. This variant disrupts the p.Asp341 amino acid residue in FH. Other variant(s) that disrupt this residue have been determined to be pathogenic (PMID: 24684806, 21304509, 22528940, 21051878). This suggests that this residue is clinically significant, and that variants that disrupt this residue are likely to be disease-causing. Experimental studies and prediction algorithms are not available or were not evaluated, and the functional significance of this variant is currently unknown. This variant has not been reported in the literature in individuals with FH-related conditions. This variant is not present in population databases (ExAC no frequency). This variant, c.1015_1024delinsT, is a complex sequence change that results in the deletion of 4 and insertion of 1 amino acid(s) in the FH protein (p.Ala339_Ile342delinsPhe).

Literature cited by the submitters: PubMed 24684806 (cited by Labcorp Genetics (formerly Invitae), Labcorp); PubMed 21304509 (cited by Labcorp Genetics (formerly Invitae), Labcorp); PubMed 22528940 (cited by Labcorp Genetics (formerly Invitae), Labcorp); PubMed 21051878 (cited by Labcorp Genetics (formerly Invitae), Labcorp).

NM_000143.4(FH):c.1015_1024delinsT (p.Ala339_Ile342delinsPhe)

Gene: FH (fumarate hydratase; minus strand). Cytogenetic location: 1q43.
Variant type: Indel.
Coding change: c.1015_1024delinsT on transcript NM_000143.4 (MANE Select); coding-DNA positions 1015 to 1024, GCAAATGATA replaced by T.
Protein change: p.Ala339_Ile342delinsPhe.
Molecular consequence: inframe indel.
Genome position (GRCh38, 1-based): chr1:241,504,126-241,504,135, TATCATTTGC replaced by A on the plus strand (GCAAATGATA replaced by T on the coding strand, the reverse complement: FH is on the minus strand). VCF-style: chr1-241504126-TATCATTTGC-A. GRCh37 (hg19) VCF-style: chr1-241667426-TATCATTTGC-A.
Other names: c.1015_1024del10insT (NM_000143.3).
Identifiers: ClinVar variation 3004226 (VCV003004226.4), dbSNP rs2527319402, ClinGen allele CA2740092649.